The following is an entry in ClinVar:

ClinVar aggregate classification (germline): Benign/Likely benign. Review status: criteria provided, multiple submitters, no conflicts (2 of 4 stars). 2 submissions from 2 submitters: Benign (1); Likely benign (1). Last evaluated 2023-05-01.

Allele frequency attached by ClinVar (database versions not stated): TOPMed 0.00928; gnomAD 0.00973 and 0.01003; gnomAD exomes 0.01122; 1000 Genomes Project 0.00539; 1000 Genomes Project 30x 0.00609.
gnomAD v4.1: 6,398 of 587,426 alleles (1.1%); highest among the groups gnomAD compares: Non-Finnish European, 1.4%; 53 homozygotes.

Submissions (2):

CeGaT Center for Human Genetics Tuebingen
Classification: Benign. Last evaluated: 2023-05-01. Review status: criteria provided, single submitter. Criteria: CeGaT Center For Human Genetics Tuebingen Variant Classification Criteria Version 2. Collection method: clinical testing. Allele origin: germline. Affected: yes. Observed: 6 variant alleles.
Comment: SACS: BS1, BS2

GeneDx
Classification: Likely benign. Last evaluated: 2018-12-05. Review status: criteria provided, single submitter. Criteria: GeneDx Variant Classification Process June 2021. Collection method: clinical testing. Allele origin: germline. Affected: yes.

NM_014363.6(SACS):c.-219A>G

Gene: SACS (sacsin molecular chaperone; minus strand). Cytogenetic location: 13q12.12.
Variant type: single nucleotide variant.
Coding change: c.-219A>G on transcript NM_014363.6 (MANE Select); 219 bases upstream of the start codon, A replaced by G.
Molecular consequence: 5 prime UTR variant.
Genome position (GRCh38, 1-based): chr13:23,411,458, T>C on the plus strand (A>G on the coding strand, the complement: SACS is on the minus strand). VCF-style: chr13-23411458-T-C. GRCh37 (hg19) VCF-style: chr13-23985597-T-C.
Identifiers: ClinVar variation 311578 (VCV000311578.38), dbSNP rs74495070, ClinGen allele CA10643121.